The following is an entry in ClinVar:

ClinVar aggregate classification (germline): Likely pathogenic (1 of 4 stars; one submission).

Conditions:
ALG3-congenital disorder of glycosylation. Also called: CONGENITAL DISORDER OF GLYCOSYLATION, TYPE Id; CDG Id; CARBOHYDRATE-DEFICIENT GLYCOPROTEIN SYNDROME, TYPE IV; CDGS, TYPE IV; ALG3-CDG. Identifiers: Orphanet 79321, MedGen C1832736, MONDO:0010998, OMIM 601110.

Submission:

Women's Health and Genetics/Laboratory Corporation of America, LabCorp
Classification: Likely pathogenic for ALG3-congenital disorder of glycosylation. Last evaluated: 2024-09-10. Review status: criteria provided, single submitter. Criteria: LabCorp Variant Classification Summary - May 2015. Collection method: clinical testing. Allele origin: germline.
Comment: Variant summary: ALG3 c.444+1G>A is located in a canonical splice-site and is predicted to affect mRNA splicing resulting in a significantly altered protein due to either exon skipping, shortening, or inclusion of intronic material. Variants that disrupt the consensus splice site are a relatively common cause of aberrant splicing and loss of ALG3 function. Several computational tools predict a significant impact on normal splicing: Four predict the variant abolishes a 5' splicing donor site. However, these predictions have yet to be confirmed by functional studies. The variant was absent in 248950 control chromosomes. To our knowledge, no occurrence of c.444+1G>A in individuals affected with ALG3-congenital disorder of glycosylation and no experimental evidence demonstrating its impact on protein function have been reported. No submitters have cited clinical-significance assessments for this variant to ClinVar. Based on the evidence outlined above, the variant was classified as likely pathogenic.

NM_005787.6(ALG3):c.444+1G>A

Gene: ALG3 (ALG3 alpha-1,3- mannosyltransferase; minus strand). Cytogenetic location: 3q27.1.
Variant type: single nucleotide variant.
Coding change: c.444+1G>A on transcript NM_005787.6 (MANE Select); the canonical splice donor site of the intron after coding-DNA position 444, G replaced by A.
Molecular consequence: splice donor variant.
Genome position (GRCh38, 1-based): chr3:184,245,467, C>T on the plus strand (G>A on the coding strand, the complement: ALG3 is on the minus strand). VCF-style: chr3-184245467-C-T. GRCh37 (hg19) VCF-style: chr3-183963255-C-T.
Other names: c.300+1G>A (NM_001006941.2).
Identifiers: ClinVar variation 3374936 (VCV003374936.1).